The following is an entry in ClinVar:

ClinVar aggregate classification (germline): Uncertain significance. Review status: criteria provided, multiple submitters, no conflicts (2 of 4 stars). 3 submissions from 3 submitters: Uncertain significance (3). Last evaluated 2022-11-01.

Conditions:
Charcot-Marie-Tooth disease type 4. Also called: Charcot-Marie-Tooth disease, type IV; Charcot-Marie-Tooth, Type 4. Identifiers: Orphanet 64749, MedGen C4082197, MONDO:0018995.

Allele frequency attached by ClinVar (database versions not stated): ESP Exome Variant Server 0.00008; gnomAD 0.00001; gnomAD exomes 0.00001 and 0.00003; ExAC 0.00002; TOPMed 0.00003.
gnomAD v4.1: 52 of 1,610,466 alleles (0.0032%); highest among the groups gnomAD compares: Non-Finnish European, 0.0042%; no homozygotes.

Submissions (3):

CeGaT Center for Human Genetics Tuebingen
Classification: Uncertain significance. Last evaluated: 2022-11-01. Review status: criteria provided, single submitter. Criteria: CeGaT Center For Human Genetics Tuebingen Variant Classification Criteria Version 2. Collection method: clinical testing. Allele origin: germline. Affected: yes. Observed: 1 variant allele.
Comment: SBF2: PM2

Labcorp Genetics (formerly Invitae), Labcorp
Classification: Uncertain significance for Charcot-Marie-Tooth disease type 4. Last evaluated: 2022-08-13. Review status: criteria provided, single submitter. Criteria: Invitae Variant Classification Sherloc (09022015). Collection method: clinical testing. Allele origin: germline.
Comment: This sequence change replaces isoleucine, which is neutral and non-polar, with threonine, which is neutral and polar, at codon 1416 of the SBF2 protein (p.Ile1416Thr). This variant is present in population databases (rs370601742, gnomAD 0.003%). This variant has not been reported in the literature in individuals affected with SBF2-related conditions. ClinVar contains an entry for this variant (Variation ID: 971866). Algorithms developed to predict the effect of missense changes on protein structure and function are either unavailable or do not agree on the potential impact of this missense change (SIFT: "Deleterious"; PolyPhen-2: "Benign"; Align-GVGD: "Class C0"). In summary, the available evidence is currently insufficient to determine the role of this variant in disease. Therefore, it has been classified as a Variant of Uncertain Significance.

Athena Diagnostics
Classification: Uncertain significance. Last evaluated: 2021-08-20. Review status: criteria provided, single submitter. Criteria: Athena Diagnostics Criteria. Collection method: clinical testing. Allele origin: unknown.

NM_030962.4(SBF2):c.4247T>C (p.Ile1416Thr)

Genes: SBF2-AS1 (SBF2 antisense RNA 1; plus strand), SBF2 (SET binding factor 2; minus strand). Cytogenetic location: 11p15.4.
Variant type: single nucleotide variant.
Coding change: c.4247T>C on transcript NM_030962.4 (MANE Select); coding-DNA position 4247, T replaced by C.
Protein change: p.Ile1416Thr; replaces isoleucine 1416 with threonine.
Molecular consequence: missense variant. On other transcripts: non-coding transcript variant (1).
Genome position (GRCh38, 1-based): chr11:9,808,911, A>G on the plus strand (T>C on the coding strand, the complement: SBF2 is on the minus strand). VCF-style: chr11-9808911-A-G. GRCh37 (hg19) VCF-style: chr11-9830458-A-G.
Other names: c.4343T>C, p.Ile1448Thr (NM_001386339.1); c.4118T>C, p.Ile1373Thr (NM_001386342.1); short protein forms I1416T, I1373T, I1448T.
Identifiers: ClinVar variation 971866 (VCV000971866.37), dbSNP rs370601742, ClinGen allele CA5881018.